The following is an entry in ClinVar:

NM_000152.5(GAA):c.1123C>A (p.Arg375Ser)

Gene: GAA (alpha glucosidase; plus strand). Cytogenetic location: 17q25.3.
Variant type: single nucleotide variant.
Coding change: c.1123C>A on transcript NM_000152.5 (MANE Select); coding-DNA position 1123, C replaced by A.
Protein change: p.Arg375Ser; replaces arginine 375 with serine.
Molecular consequence: missense variant.
Genome position (GRCh38, 1-based): chr17:80,108,536, C>A. VCF-style: chr17-80108536-C-A. GRCh37 (hg19) VCF-style: chr17-78082335-C-A.
Other names: c.1123C>A, p.Arg375Ser (NM_001079803.3, NM_001079804.3, NM_001406741.1 and 1 more transcripts); short protein forms R375S.
Identifiers: ClinVar variation 2698939 (VCV002698939.3), dbSNP rs372486238, ClinGen allele CA401365001.

ClinVar aggregate classification (germline): Likely pathogenic (1 of 4 stars; one submission).

Conditions:
Glycogen storage disease, type II (IOPD). Also called: Glucosidase acid-1,4-alpha deficiency; Pompe Disease; Glycogen storage disease type 2; Acid maltase deficiency disease; Aglucosidase alfa; Deficiency of alpha-glucosidase. Identifiers: Orphanet 365, MedGen C0017921, MONDO:0009290, OMIM 232300.

gnomAD v4.1: 1 of 1,612,974 alleles (0.000062%); highest among the groups gnomAD compares: African/African-American, 0.0013%; no homozygotes.

Submission:

Labcorp Genetics (formerly Invitae), Labcorp
Classification: Likely pathogenic for Glycogen storage disease, type II. Last evaluated: 2023-11-25. Review status: criteria provided, single submitter. Criteria: Invitae Variant Classification Sherloc (09022015). Collection method: clinical testing. Allele origin: germline.
Comment: This sequence change replaces arginine, which is basic and polar, with serine, which is neutral and polar, at codon 375 of the GAA protein (p.Arg375Ser). This variant is not present in population databases (gnomAD no frequency). This variant has not been reported in the literature in individuals affected with GAA-related conditions. Advanced modeling of protein sequence and biophysical properties (such as structural, functional, and spatial information, amino acid conservation, physicochemical variation, residue mobility, and thermodynamic stability) performed at Invitae indicates that this missense variant is expected to disrupt GAA protein function with a positive predictive value of 95%. This variant disrupts the p.Arg375 amino acid residue in GAA. Other variant(s) that disrupt this residue have been determined to be pathogenic (PMID: 18429042, 22990675, 24158270, 29422078). This suggests that this residue is clinically significant, and that variants that disrupt this residue are likely to be disease-causing. In summary, the currently available evidence indicates that the variant is pathogenic, but additional data are needed to prove that conclusively. Therefore, this variant has been classified as Likely Pathogenic.

Literature cited by the submitters: PubMed 18429042; PubMed 22990675; PubMed 24158270; PubMed 29422078.